The following is an entry in ClinVar:

NM_000179.3(MSH6):c.3932_3933del (p.Glu1311fs)

Gene: MSH6 (mutS homolog 6; plus strand). Cytogenetic location: 2p16.3.
Variant type: Deletion.
Coding change: c.3932_3933del on transcript NM_000179.3 (MANE Select); coding-DNA positions 3932 to 3933, 2 bases deleted (AA; older notation c.3932_3933delAA).
Protein change: p.Glu1311fs; shifts the reading frame from glutamic acid 1311.
Molecular consequence: frameshift variant. On other transcripts: non-coding transcript variant (5), intron variant (1).
Genome position (GRCh38, 1-based): chr2:47,806,582-47,806,583, AA deleted. VCF-style (leftmost placement, unchanged base first): chr2-47806581-GAA-G. GRCh37 (hg19) VCF-style: chr2-48033720-GAA-G.
Other names: c.3542_3543del, p.Glu1181fs (NM_001281492.2); c.3026_3027del, p.Glu1009fs (NM_001281493.2, NM_001281494.2, NM_001406811.1 and 6 more transcripts); c.4028_4029del, p.Glu1343fs (NM_001406795.1); c.3932_3933del, p.Glu1311fs (NM_001406796.1, NM_001406808.1, NM_001406809.1); c.3635_3636del, p.Glu1212fs (NM_001406797.1, NM_001406801.1, NM_001406805.1 and 10 more transcripts); c.3758_3759del, p.Glu1253fs (NM_001406798.1); c.3407_3408del, p.Glu1136fs (NM_001406799.1, NM_001406806.1, NM_001406807.1); c.3919_3920del, p.Lys1307fs (NM_001406800.1); and 9 more; short protein forms E1009fs, E1023fs, E1136fs, E1181fs, E1212fs, E1253fs, E1255fs, E1285fs.
Identifiers: ClinVar variation 2673657 (VCV002673657.1), dbSNP rs2530871576, ClinGen allele CA2695200655.
Genomic context (GRCh38, chr2:47,806,581, plus strand): 5'-AAGGGAGCTTGTCCTAAAAGCTATGGCTTTAATGCAGCAAGGCTTGCTAATCTCCCAGAG[GAA>G]GTTATTCAAAAGGGACATAGAAAAGCAAGAGAATTTGAGAAGATGAATCAGTCACTACGA-3'

ClinVar aggregate classification (germline): Pathogenic (1 of 4 stars; one submission).

Conditions:
Lynch syndrome 5 (LYNCH5). Also called: Colorectal cancer, hereditary nonpolyposis, type 5; Hereditary non-polyposis colorectal cancer, type 5. Identifiers: Orphanet 144, MedGen C1833477, MONDO:0013710, OMIM 614350. Disease mechanism: loss of function.

Submission:

Myriad Genetics, Inc.
Classification: Pathogenic for Lynch syndrome 5. Last evaluated: 2023-08-28. Review status: criteria provided, single submitter. Criteria: Myriad Autosomal Dominant, Autosomal Recessive and X-Linked Classification Criteria (2023). Collection method: clinical testing. Allele origin: unknown.
Comment: This variant is considered pathogenic. This variant creates a frameshift predicted to result in premature protein truncation.